The following is an entry in ClinVar:

NM_006904.7(PRKDC):c.1740T>A (p.Asp580Glu)

Gene: PRKDC (protein kinase, DNA-activated, catalytic subunit; minus strand). Cytogenetic location: 8q11.21.
Variant type: single nucleotide variant.
Coding change: c.1740T>A on transcript NM_006904.7 (MANE Select); coding-DNA position 1740, T replaced by A.
Protein change: p.Asp580Glu; replaces aspartic acid 580 with glutamic acid.
Molecular consequence: missense variant.
Genome position (GRCh38, 1-based): chr8:47,933,056, A>T on the plus strand (T>A on the coding strand, the complement: PRKDC is on the minus strand). VCF-style: chr8-47933056-A-T. GRCh37 (hg19) VCF-style: chr8-48845616-A-T.
Other names: c.1740T>A, p.Asp580Glu (NM_001081640.2); short protein forms D580E.
Identifiers: ClinVar variation 1779197 (VCV001779197.2), dbSNP rs752673009, ClinGen allele CA4741652.

ClinVar aggregate classification (germline): Uncertain significance (1 of 4 stars; one submission).

Allele frequency attached by ClinVar (database versions not stated): ExAC 0.00001.

Submission:

Ambry Genetics
Classification: Uncertain significance. Last evaluated: 2022-02-17. Review status: criteria provided, single submitter. Criteria: Ambry Variant Classification Scheme 2023. Collection method: clinical testing. Allele origin: germline.
Comment: The p.D580E variant (also known as c.1740T>A), located in coding exon 16 of the PRKDC gene, results from a T to A substitution at nucleotide position 1740. The aspartic acid at codon 580 is replaced by glutamic acid, an amino acid with highly similar properties. This amino acid position is conserved. In addition, this alteration is predicted to be tolerated by in silico analysis. Since supporting evidence is limited at this time, the clinical significance of this alteration remains unclear.